The following is an entry in ClinVar:

NM_018975.4(TERF2IP):c.390C>A (p.His130Gln)

Gene: TERF2IP (TERF2 interacting protein; plus strand). Cytogenetic location: 16q23.1.
Variant type: single nucleotide variant.
Coding change: c.390C>A on transcript NM_018975.4 (MANE Select); coding-DNA position 390, C replaced by A.
Protein change: p.His130Gln; replaces histidine 130 with glutamine.
Molecular consequence: missense variant. On other transcripts: non-coding transcript variant (1).
Genome position (GRCh38, 1-based): chr16:75,648,272, C>A. VCF-style: chr16-75648272-C-A. GRCh37 (hg19) VCF-style: chr16-75682170-C-A.
Other names: short protein forms H130Q.
Identifiers: ClinVar variation 3455137 (VCV003455137.1).
Genomic context (GRCh38, chr16:75,648,272, plus strand): 5'-CTCGGAAGCAAAGCCCGGGGCCCTGGCCGAGGGCGCCGCGGAGCCGGAGCCGCAGCGGCA[C>A]GCCGGGCGGATCGCCTTCACGGATGCGGACGACGTAGCCATCCTTACCTACGTGAAGGAA-3'
Protein context (NP_061848.2, residues 120-140): EGAAEPEPQR[His130Gln]AGRIAFTDAD

ClinVar aggregate classification (germline): Uncertain significance (1 of 4 stars; one submission).

Submission:

Ambry Genetics
Classification: Uncertain significance. Last evaluated: 2024-11-12. Review status: criteria provided, single submitter. Criteria: Ambry Variant Classification Scheme 2023. Collection method: clinical testing. Allele origin: germline.
Comment: The p.H130Q variant (also known as c.390C>A), located in coding exon 1 of the TERF2IP gene, results from a C to A substitution at nucleotide position 390. The histidine at codon 130 is replaced by glutamine, an amino acid with highly similar properties. This amino acid position is conserved. In addition, this alteration is predicted to be tolerated by in silico analysis. Based on the available evidence, the clinical significance of this variant remains unclear.